The following is an entry in ClinVar:

ClinVar aggregate classification (germline): Uncertain significance. Review status: criteria provided, multiple submitters, no conflicts (2 of 4 stars). 2 submissions from 2 submitters: Uncertain significance (2). Last evaluated 2025-06-09.

Conditions:
Familial thoracic aortic aneurysm and aortic dissection (TAAD). Also called: Thoracic aortic aneurysms and dissections. Identifiers: Orphanet 91387, MedGen C4707243, MONDO:0019625.
Marfan syndrome (MFS). Also called: MARFAN SYNDROME, TYPE I; Marfan syndrome type 1; Marfan's syndrome; Marfan syndrome, classic; FBN1-Related Marfan Syndrome. Identifiers: Orphanet 284963, Orphanet 558, MedGen C0024796, MONDO:0007947, OMIM 154700.

Submissions (2):

Color Diagnostics, LLC DBA Color Health
Classification: Uncertain significance for Familial thoracic aortic aneurysm and aortic dissection. Last evaluated: 2025-06-09. Review status: criteria provided, single submitter. Criteria: ACMG Guidelines, 2015. Collection method: clinical testing. Allele origin: germline.
Comment: This missense variant replaces threonine with isoleucine at codon 660 of the FBN1 protein. Computational prediction is inconclusive regarding the impact of this variant on protein structure and function. To our knowledge, functional studies have not been reported for this variant. This variant has not been reported in individuals affected with FBN1-related disorders in the literature. This variant has not been identified in the general population by the Genome Aggregation Database (gnomAD). The available evidence is insufficient to determine the role of this variant in disease conclusively. Therefore, this variant is classified as a Variant of Uncertain Significance.

All of Us Research Program, National Institutes of Health
Classification: Uncertain significance for Marfan syndrome. Last evaluated: 2023-06-08. Review status: criteria provided, single submitter. Criteria: ACMG Guidelines, 2015. Collection method: clinical testing. Allele origin: germline. Inheritance: Autosomal dominant inheritance. Observed: 1 variant allele, 1 heterozygote.
Comment: This missense variant replaces threonine with isoleucine at codon 660 of the FBN1 protein. Computational prediction is inconclusive regarding the impact of this variant on protein structure and function (internally defined REVEL score threshold 0.5 < inconclusive < 0.7, PMID: 27666373). To our knowledge, functional studies have not been reported for this variant. This variant has not been reported in individuals affected with FBN1-related disorders in the literature. This variant has not been identified in the general population by the Genome Aggregation Database (gnomAD). The available evidence is insufficient to determine the role of this variant in disease conclusively. Therefore, this variant is classified as a Variant of Uncertain Significance.

This study involves interpretation of variants in research participants for the purpose of population health screening. Participant phenotype was not available at the time of variant classification. Additional details can be found in publication PMID: 35346344, PMCID: PMC8962531

NM_000138.5(FBN1):c.1979C>T (p.Thr660Ile)

Gene: FBN1 (fibrillin 1; minus strand). Cytogenetic location: 15q21.1.
Variant type: single nucleotide variant.
Coding change: c.1979C>T on transcript NM_000138.5 (MANE Select); coding-DNA position 1979, C replaced by T.
Protein change: p.Thr660Ile; replaces threonine 660 with isoleucine.
Molecular consequence: missense variant.
Genome position (GRCh38, 1-based): chr15:48,503,921, G>A on the plus strand (C>T on the coding strand, the complement: FBN1 is on the minus strand). VCF-style: chr15-48503921-G-A. GRCh37 (hg19) VCF-style: chr15-48796118-G-A.
Other names: c.1979C>T, p.Thr660Ile (NM_001406716.1); short protein forms T660I.
Identifiers: ClinVar variation 3071567 (VCV003071567.2), dbSNP rs2505591444, ClinGen allele CA392338803.